The following is an entry in ClinVar:

NM_000059.4(BRCA2):c.9889G>T (p.Ala3297Ser)

Gene: BRCA2 (BRCA2 DNA repair associated; plus strand). Cytogenetic location: 13q13.1.
Variant type: single nucleotide variant.
Coding change: c.9889G>T on transcript NM_000059.4 (MANE Select); coding-DNA position 9889, G replaced by T.
Protein change: p.Ala3297Ser; replaces alanine 3297 with serine.
Molecular consequence: missense variant.
Genome position (GRCh38, 1-based): chr13:32,398,402, G>T. VCF-style: chr13-32398402-G-T. GRCh37 (hg19) VCF-style: chr13-32972539-G-T.
Other names: short protein forms A3297S.
Identifiers: ClinVar variation 823539 (VCV000823539.5), dbSNP rs1555289995, ClinGen allele CA387766809.

ClinVar aggregate classification (germline): Uncertain significance (1 of 4 stars; one submission).

Conditions:
Hereditary cancer-predisposing syndrome. Also called: Tumor predisposition; Hereditary Cancer Syndrome; Neoplastic Syndromes, Hereditary; Hereditary neoplastic syndrome. Identifiers: Orphanet 140162, MedGen C0027672, MeSH D009386, MONDO:0015356.

Submission:

Ambry Genetics
Classification: Uncertain significance for Hereditary cancer-predisposing syndrome. Last evaluated: 2023-04-14. Review status: criteria provided, single submitter. Criteria: Ambry Variant Classification Scheme 2023. Collection method: clinical testing. Allele origin: germline.
Comment: The p.A3297S variant (also known as c.9889G>T), located in coding exon 26 of the BRCA2 gene, results from a G to T substitution at nucleotide position 9889. The alanine at codon 3297 is replaced by serine, an amino acid with similar properties. This variant was observed in a study of 1010 unrelated Indian patients with breast and/or ovarian cancer (Singh J et al. Breast Cancer Res Treat, 2018 Jul;170:189-196). This amino acid position is highly conserved in available vertebrate species. In addition, this alteration is predicted to be tolerated by in silico analysis. Since supporting evidence is limited at this time, the clinical significance of this alteration remains unclear.

Literature cited by the submitters: PubMed 29470806.